The following is an entry in ClinVar:

NM_002907.4(RECQL):c.1025G>C (p.Gly342Ala)

Gene: RECQL (RecQ like helicase; minus strand). Cytogenetic location: 12p12.1.
Variant type: single nucleotide variant.
Coding change: c.1025G>C on transcript NM_002907.4 (MANE Select); coding-DNA position 1025, G replaced by C.
Protein change: p.Gly342Ala; replaces glycine 342 with alanine.
Molecular consequence: missense variant.
Genome position (GRCh38, 1-based): chr12:21,475,749, C>G on the plus strand (G>C on the coding strand, the complement: RECQL is on the minus strand). VCF-style: chr12-21475749-C-G. GRCh37 (hg19) VCF-style: chr12-21628683-C-G.
Other names: c.1025G>C, p.Gly342Ala (NM_032941.3); short protein forms G342A.
Identifiers: ClinVar variation 1693039 (VCV001693039.10), dbSNP rs770714965, ClinGen allele CA384121559.
Genomic context (GRCh38, chr12:21,475,749, plus strand): 5'-GCTGACCATTTTCTATGAACTGTGGTCTTATCTTCTGGCTCCAAATTGGCATGGTAAGCA[C>G]CTGCATGAATTCCCAGATTCTGCAAACTAACCGTAACTTGTTCAGAGTCTTTCTGAGAAA-3'
Protein context (NP_002898.2, residues 332-352): VSLQNLGIHA[Gly342Ala]AYHANLEPED

ClinVar aggregate classification (germline): Uncertain significance. Review status: criteria provided, multiple submitters, no conflicts (2 of 4 stars). 3 submissions from 3 submitters: Uncertain significance (3). Last evaluated 2024-10-12.

Allele frequency attached by ClinVar (database versions not stated): gnomAD 0.00001.
gnomAD v4.1: 3 of 1,613,174 alleles (0.00019%); highest among the groups gnomAD compares: Non-Finnish European, 0.00025%; no homozygotes.

Submissions (3):

Ambry Genetics
Classification: Uncertain significance. Last evaluated: 2024-10-12. Review status: criteria provided, single submitter. Criteria: Ambry Variant Classification Scheme 2023. Collection method: clinical testing. Allele origin: germline.
Comment: The p.G342A variant (also known as c.1025G>C), located in coding exon 8 of the RECQL gene, results from a G to C substitution at nucleotide position 1025. The glycine at codon 342 is replaced by alanine, an amino acid with similar properties. This amino acid position is well conserved in available vertebrate species. In addition, this alteration is predicted to be tolerated by in silico analysis. Since supporting evidence is limited at this time, the clinical significance of this alteration remains unclear.

Labcorp Genetics (formerly Invitae), Labcorp
Classification: Uncertain significance. Last evaluated: 2023-10-24. Review status: criteria provided, single submitter. Criteria: Invitae Variant Classification Sherloc (09022015). Collection method: clinical testing. Allele origin: germline.
Comment: This sequence change replaces glycine, which is neutral and non-polar, with alanine, which is neutral and non-polar, at codon 342 of the RECQL protein (p.Gly342Ala). This variant is present in population databases (no rsID available, gnomAD 0.007%). This variant has not been reported in the literature in individuals affected with RECQL-related conditions. ClinVar contains an entry for this variant (Variation ID: 1693039). Advanced modeling of protein sequence and biophysical properties (such as structural, functional, and spatial information, amino acid conservation, physicochemical variation, residue mobility, and thermodynamic stability) performed at Invitae indicates that this missense variant is not expected to disrupt RECQL protein function with a negative predictive value of 80%. In summary, the available evidence is currently insufficient to determine the role of this variant in disease. Therefore, it has been classified as a Variant of Uncertain Significance.

GeneDx
Classification: Uncertain significance. Last evaluated: 2022-06-24. Review status: criteria provided, single submitter. Criteria: GeneDx Variant Classification Process June 2021. Collection method: clinical testing. Allele origin: germline. Affected: yes.
Comment: Not observed at significant frequency in large population cohorts (gnomAD); In silico analysis supports that this missense variant does not alter protein structure/function; Has not been previously published as pathogenic or benign to our knowledge; This variant is associated with the following publications: (PMID: 27248010, 19151156)